The following is an entry in ClinVar:

NM_203446.3(SYNJ1):c.1005TCA[3] (p.His336_Gln337insHis)

Gene: SYNJ1 (synaptojanin 1; minus strand). Cytogenetic location: 21q22.11.
Variant type: Microsatellite.
Coding change: c.1005TCA[3] on transcript NM_203446.3 (MANE Select); three copies in a row of the 3-base unit TCA starting at c.1005; the reference has two copies in a row; one copy, 3 bases duplicated.
Protein change: p.His336_Gln337insHis.
Molecular consequence: inframe insertion. On other transcripts: inframe indel (2).
Genome position (GRCh38, 1-based): chr21:32,685,856-32,685,858, TGA duplicated on the plus strand (TCA on the coding strand, the reverse complement: SYNJ1 is on the minus strand); duplicating any 3 consecutive bases within chr21:32,685,856-32,685,862 gives the same sequence; the position shown is the placement nearest the transcript's 3' end. VCF-style (leftmost placement, unchanged base first): chr21-32685855-T-TTGA. GRCh37 (hg19) VCF-style: chr21-34058165-T-TTGA.
Other names: c.1004_1006ATC[3], p.His336_Gln337insHis (NM_001160302.2); c.1005TCA[3], p.His336_Gln337insHis (NM_001160306.2); c.1121_1123ATC[3], p.His375_Gln376insHis (NM_003895.4).
Identifiers: ClinVar variation 1472995 (VCV001472995.5), dbSNP rs760622908, ClinGen allele CA10003983.

ClinVar aggregate classification (germline): Uncertain significance (1 of 4 stars; one submission).

Conditions:
Developmental and epileptic encephalopathy, 53. Also called: Epileptic encephalopathy, early infantile, 53. Identifiers: MedGen C4479313, MONDO:0033362, OMIM 617389.
Early-onset Parkinson disease 20. Also called: PARKINSON DISEASE 20, AUTOSOMAL RECESSIVE EARLY-ONSET. Identifiers: Orphanet 391411, MedGen C3809824, MONDO:0014233, OMIM 615530.

Submission:

Labcorp Genetics (formerly Invitae), Labcorp
Classification: Uncertain significance for Developmental and epileptic encephalopathy, 53; Early-onset Parkinson disease 20. Last evaluated: 2024-03-02. Review status: criteria provided, single submitter. Criteria: Invitae Variant Classification Sherloc (09022015). Collection method: clinical testing. Allele origin: germline.
Comment: This variant, c.1125_1127dup, results in the insertion of 1 amino acid(s) of the SYNJ1 protein (p.His375dup), but otherwise preserves the integrity of the reading frame. This variant is present in population databases (rs760622908, gnomAD 0.03%). This variant has not been reported in the literature in individuals affected with SYNJ1-related conditions. Experimental studies and prediction algorithms are not available or were not evaluated, and the functional significance of this variant is currently unknown. In summary, the available evidence is currently insufficient to determine the role of this variant in disease. Therefore, it has been classified as a Variant of Uncertain Significance.